The following is an entry in ClinVar:

NM_139318.5(KCNH5):c.2356C>G (p.Pro786Ala)

Gene: KCNH5 (potassium voltage-gated channel subfamily H member 5; minus strand). Cytogenetic location: 14q23.2.
Variant type: single nucleotide variant.
Coding change: c.2356C>G on transcript NM_139318.5 (MANE Select); coding-DNA position 2356, C replaced by G.
Protein change: p.Pro786Ala; replaces proline 786 with alanine.
Molecular consequence: missense variant. On other transcripts: 3 prime UTR variant (1).
Genome position (GRCh38, 1-based): chr14:62,708,119, G>C on the plus strand (C>G on the coding strand, the complement: KCNH5 is on the minus strand). VCF-style: chr14-62708119-G-C. GRCh37 (hg19) VCF-style: chr14-63174837-G-C.
Other names: c.*323C>G (NM_172375.3); short protein forms P786A.
Identifiers: ClinVar variation 3636098 (VCV003636098.2).
Genomic context (GRCh38, chr14:62,708,119, plus strand): 5'-CATTCTTCATTCTTATTGGGCTGTTGACTTTGAGACATTTTTGGTCAGCACCGCCGTTGG[G>C]CTTGAGTTCCATGGCATCACGGTTGTTCTGCTTAAGGGATTCACTGGTTTTCACATAGGC-3'
Protein context (NP_647479.2, residues 776-796): QNNRDAMELK[Pro786Ala]NGGADQKCLK

ClinVar aggregate classification (germline): Uncertain significance (1 of 4 stars; one submission).

Conditions:
Early-infantile DEE. Also called: Early infantile epileptic encephalopathy; Ohtahara syndrome; Early infantile epileptic encephalopathy with suppression bursts. Identifiers: Orphanet 1934, MedGen C0393706, MONDO:0800491.

gnomAD v4.1: 1 of 1,614,222 alleles (0.000062%); highest among the groups gnomAD compares: East Asian, 0.0022%; no homozygotes.

Submission:

Labcorp Genetics (formerly Invitae), Labcorp
Classification: Uncertain significance for Early-infantile DEE. Last evaluated: 2024-03-17. Review status: criteria provided, single submitter. Criteria: Invitae Variant Classification Sherloc (09022015). Collection method: clinical testing. Allele origin: germline.
Comment: This sequence change replaces proline, which is neutral and non-polar, with alanine, which is neutral and non-polar, at codon 786 of the KCNH5 protein (p.Pro786Ala). This variant is not present in population databases (gnomAD no frequency). This variant has not been reported in the literature in individuals affected with KCNH5-related conditions. Advanced modeling of protein sequence and biophysical properties (such as structural, functional, and spatial information, amino acid conservation, physicochemical variation, residue mobility, and thermodynamic stability) performed at Invitae indicates that this missense variant is not expected to disrupt KCNH5 protein function with a negative predictive value of 95%. In summary, the available evidence is currently insufficient to determine the role of this variant in disease. Therefore, it has been classified as a Variant of Uncertain Significance.